The following is an entry in ClinVar:

NM_000138.5(FBN1):c.1118C>A (p.Ala373Asp)

Genes: FBN1 (fibrillin 1; minus strand), LOC113939944 (Sharpr-MPRA regulatory region 9539; plus strand). Cytogenetic location: 15q21.1.
Variant type: single nucleotide variant.
Coding change: c.1118C>A on transcript NM_000138.5 (MANE Select); coding-DNA position 1118, C replaced by A.
Protein change: p.Ala373Asp; replaces alanine 373 with aspartic acid.
Molecular consequence: missense variant.
Genome position (GRCh38, 1-based): chr15:48,520,688, G>T on the plus strand (C>A on the coding strand, the complement: FBN1 is on the minus strand). VCF-style: chr15-48520688-G-T. GRCh37 (hg19) VCF-style: chr15-48812885-G-T.
Other names: c.1118C>A, p.Ala373Asp (NM_001406716.1); short protein forms A373D.
Identifiers: ClinVar variation 2016320 (VCV002016320.4), dbSNP rs762598979, ClinGen allele CA392347196.

ClinVar aggregate classification (germline): Uncertain significance (1 of 4 stars; one submission).

Conditions:
Familial thoracic aortic aneurysm and aortic dissection (TAAD). Also called: Thoracic aortic aneurysms and dissections. Identifiers: Orphanet 91387, MedGen C4707243, MONDO:0019625.
Marfan syndrome (MFS). Also called: MARFAN SYNDROME, TYPE I; Marfan syndrome type 1; Marfan's syndrome; Marfan syndrome, classic; FBN1-Related Marfan Syndrome. Identifiers: Orphanet 284963, Orphanet 558, MedGen C0024796, MONDO:0007947, OMIM 154700.

Submission:

Labcorp Genetics (formerly Invitae), Labcorp
Classification: Uncertain significance for Marfan syndrome; Familial thoracic aortic aneurysm and aortic dissection. Last evaluated: 2025-01-20. Review status: criteria provided, single submitter. Criteria: Invitae Variant Classification Sherloc (09022015). Collection method: clinical testing. Allele origin: germline.
Comment: This sequence change replaces alanine, which is neutral and non-polar, with aspartic acid, which is acidic and polar, at codon 373 of the FBN1 protein (p.Ala373Asp). This variant is not present in population databases (gnomAD no frequency). This variant has not been reported in the literature in individuals affected with FBN1-related conditions. ClinVar contains an entry for this variant (Variation ID: 2016320). Invitae Evidence Modeling of protein sequence and biophysical properties (such as structural, functional, and spatial information, amino acid conservation, physicochemical variation, residue mobility, and thermodynamic stability) indicates that this missense variant is not expected to disrupt FBN1 protein function with a negative predictive value of 95%. In summary, the available evidence is currently insufficient to determine the role of this variant in disease. Therefore, it has been classified as a Variant of Uncertain Significance.